The following is an entry in ClinVar:

ClinVar aggregate classification (germline): Likely pathogenic (1 of 4 stars; one submission).

Conditions:
Deficiency of UDPglucose-hexose-1-phosphate uridylyltransferase. Also called: GALACTOSEMIA I; GALACTOSE-1-PHOSPHATE URIDYLYLTRANSFERASE DEFICIENCY; GALT deficiency; Galactosemia, classic; Transferase Deficiency Galactosemia. Identifiers: Orphanet 352, Orphanet 79239, MedGen C0268151, MONDO:0009258, OMIM 230400.

gnomAD v4.1: 1 of 1,614,204 alleles (0.000062%); highest among the groups gnomAD compares: Admixed American, 0.0017%; no homozygotes.

Submission:

Labcorp Genetics (formerly Invitae), Labcorp
Classification: Likely pathogenic for Deficiency of UDPglucose-hexose-1-phosphate uridylyltransferase. Last evaluated: 2025-07-14. Review status: criteria provided, single submitter. Criteria: Invitae Variant Classification Sherloc (09022015). Collection method: clinical testing. Allele origin: germline.
Comment: This sequence change replaces tryptophan, which is neutral and slightly polar, with cysteine, which is neutral and slightly polar, at codon 167 of the GALT protein (p.Trp167Cys). This variant is present in population databases (no rsID available, gnomAD 0.003%). This variant has not been reported in the literature in individuals affected with GALT-related conditions. ClinVar contains an entry for this variant (Variation ID: 1971600). Invitae Evidence Modeling of protein sequence and biophysical properties (such as structural, functional, and spatial information, amino acid conservation, physicochemical variation, residue mobility, and thermodynamic stability) indicates that this missense variant is expected to disrupt GALT protein function with a positive predictive value of 95%. This variant disrupts the p.Trp167 amino acid residue in GALT. Other variant(s) that disrupt this residue have been determined to be pathogenic (PMID: 10399107). This suggests that this residue is clinically significant, and that variants that disrupt this residue are likely to be disease-causing. In summary, the currently available evidence indicates that the variant is pathogenic, but additional data are needed to prove that conclusively. Therefore, this variant has been classified as Likely Pathogenic.

Literature cited by the submitters: PubMed 10399107.

NM_000155.4(GALT):c.501G>C (p.Trp167Cys)

Gene: GALT (galactose-1-phosphate uridylyltransferase; plus strand). Cytogenetic location: 9p13.3.
Variant type: single nucleotide variant.
Coding change: c.501G>C on transcript NM_000155.4 (MANE Select); coding-DNA position 501, G replaced by C.
Protein change: p.Trp167Cys; replaces tryptophan 167 with cysteine.
Molecular consequence: missense variant.
Genome position (GRCh38, 1-based): chr9:34,647,955, G>C. VCF-style: chr9-34647955-G-C. GRCh37 (hg19) VCF-style: chr9-34647952-G-C.
Other names: c.174G>C, p.Trp58Cys (NM_001258332.2); short protein forms W58C, W167C.
Identifiers: ClinVar variation 1971600 (VCV001971600.5), dbSNP rs1407860889, ClinGen allele CA373281162.